The following is an entry in ClinVar:

ClinVar aggregate classification (germline): Uncertain significance. Review status: criteria provided, multiple submitters, no conflicts (2 of 4 stars). 2 submissions from 2 submitters: Uncertain significance (2). Last evaluated 2024-12-12.

Conditions:
COL18A1-related disorder. Also called: COL18A1-related disorders; COL18A1-related condition.

Allele frequency attached by ClinVar (database versions not stated): gnomAD 0.00001 and 0.00002; gnomAD exomes 0.00001 and 0.00003; TOPMed 0.00002; 1000 Genomes Project 30x 0.00031.
gnomAD v4.1: 24 of 1,526,750 alleles (0.0016%); highest among the groups gnomAD compares: African/African-American, 0.011%; no homozygotes.

Submissions (2):

PreventionGenetics, part of Exact Sciences
Classification: Uncertain significance for COL18A1-related condition. Last evaluated: 2024-12-12. Review status: criteria provided, single submitter. Criteria: ACMG Guidelines, 2015. Collection method: clinical testing. Allele origin: germline.
Comment: The COL18A1 c.3919G>A variant is predicted to result in the amino acid substitution p.Glu1307Lys. To our knowledge, this variant has not been reported in the literature. This variant is reported in 0.013% of alleles in individuals of South Asian descent in gnomAD. At this time, the clinical significance of this variant is uncertain due to the absence of conclusive functional and genetic evidence.

Labcorp Genetics (formerly Invitae), Labcorp
Classification: Uncertain significance. Last evaluated: 2023-07-07. Review status: criteria provided, single submitter. Criteria: Invitae Variant Classification Sherloc (09022015). Collection method: clinical testing. Allele origin: germline.
Comment: In summary, the available evidence is currently insufficient to determine the role of this variant in disease. Therefore, it has been classified as a Variant of Uncertain Significance. Experimental studies and prediction algorithms are not available or were not evaluated, and the functional significance of this variant is currently unknown. ClinVar contains an entry for this variant (Variation ID: 1390788). This variant has not been reported in the literature in individuals affected with COL18A1-related conditions. The frequency data for this variant in the population databases is considered unreliable, as metrics indicate poor data quality at this position in the gnomAD database. This sequence change replaces glutamic acid, which is acidic and polar, with lysine, which is basic and polar, at codon 1127 of the COL18A1 protein (p.Glu1127Lys).

NM_001379500.1(COL18A1):c.3388G>A (p.Glu1130Lys)

Genes: COL18A1 (collagen type XVIII alpha 1 chain; plus strand), SLC19A1 (solute carrier family 19 member 1; minus strand). Cytogenetic location: 21q22.3.
Variant type: single nucleotide variant.
Coding change: c.3388G>A on transcript NM_001379500.1 (MANE Select); coding-DNA position 3388, G replaced by A.
Protein change: p.Glu1130Lys; replaces glutamic acid 1130 with lysine.
Molecular consequence: missense variant.
Genome position (GRCh38, 1-based): chr21:45,509,494, G>A. VCF-style: chr21-45509494-G-A. GRCh37 (hg19) VCF-style: chr21-46929408-G-A.
Other names: c.3919G>A (NM_030582.3); c.3919G>A, p.Glu1307Lys (NM_030582.4); c.4624G>A, p.Glu1542Lys (NM_130444.3); short protein forms E1130K, E1307K, E1542K.
Identifiers: ClinVar variation 1390788 (VCV001390788.5), dbSNP rs751583897, ClinGen allele CA10067876.